The following is an entry in ClinVar:

ClinVar aggregate classification (germline): Conflicting classifications of pathogenicity. Review status: criteria provided, conflicting classifications (1 of 4 stars). 2 submissions from 2 submitters: Uncertain significance (1); Likely benign (1). Last evaluated 2025-02-02.

Conditions:
Hypokalemic periodic paralysis, type 1. Also called: Hypokalemic Periodic Paralysis Type 1 (AD); HypoPP. Identifiers: Orphanet 681, MedGen C3714580, MONDO:0042979, OMIM 170400.
Malignant hyperthermia, susceptibility to, 5 (MHS5). Also called: CACNA1S-Related Malignant Hyperthermia Susceptibility. Identifiers: Orphanet 423, MedGen C1866077, MONDO:0011163, OMIM 601887.

Allele frequency attached by ClinVar (database versions not stated): gnomAD 0.00001.
gnomAD v4.1: 22 of 1,595,204 alleles (0.0014%); highest among the groups gnomAD compares: Non-Finnish European, 0.0019%; no homozygotes.

Submissions (2):

Labcorp Genetics (formerly Invitae), Labcorp
Classification: Likely benign for Hypokalemic periodic paralysis, type 1; Malignant hyperthermia, susceptibility to, 5. Last evaluated: 2025-02-02. Review status: criteria provided, single submitter. Criteria: Invitae Variant Classification Sherloc (09022015). Collection method: clinical testing. Allele origin: germline.

Color Diagnostics, LLC DBA Color Health
Classification: Uncertain significance for Malignant hyperthermia, susceptibility to, 5. Last evaluated: 2023-09-15. Review status: criteria provided, single submitter. Criteria: ACMG Guidelines, 2015. Collection method: clinical testing. Allele origin: germline.
Comment: This variant causes a G to C nucleotide substitution at the -8 position of intron 21 of the CACNA1S gene. To our knowledge, functional studies have not been reported for this variant. This variant has not been reported in individuals affected with CACNA1S-related disorders in the literature. This variant has not been identified in the general population by the Genome Aggregation Database (gnomAD). The available evidence is insufficient to determine the role of this variant in disease conclusively. Therefore, this variant is classified as a Variant of Uncertain Significance.

NM_000069.3(CACNA1S):c.2746-8G>C

Gene: CACNA1S (calcium voltage-gated channel subunit alpha1 S; minus strand). Cytogenetic location: 1q32.1.
Variant type: single nucleotide variant.
Coding change: c.2746-8G>C on transcript NM_000069.3 (MANE Select); 8 bases into the intron before coding-DNA position 2746, G replaced by C.
Molecular consequence: intron variant.
Genome position (GRCh38, 1-based): chr1:201,065,953, C>G on the plus strand (G>C on the coding strand, the complement: CACNA1S is on the minus strand). VCF-style: chr1-201065953-C-G. GRCh37 (hg19) VCF-style: chr1-201035081-C-G.
Identifiers: ClinVar variation 697049 (VCV000697049.10), dbSNP rs1572039133, ClinGen allele CA915941965.